The following is an entry in ClinVar:

NM_012235.4(SCAP):c.1427G>A (p.Arg476Gln)

Gene: SCAP (SREBF chaperone; minus strand). Cytogenetic location: 3p21.31.
Variant type: single nucleotide variant.
Coding change: c.1427G>A on transcript NM_012235.4 (MANE Select); coding-DNA position 1427, G replaced by A.
Protein change: p.Arg476Gln; replaces arginine 476 with glutamine.
Molecular consequence: missense variant.
Genome position (GRCh38, 1-based): chr3:47,420,690, C>T on the plus strand (G>A on the coding strand, the complement: SCAP is on the minus strand). VCF-style: chr3-47420690-C-T. GRCh37 (hg19) VCF-style: chr3-47462180-C-T.
Other names: c.1427G>A (NM_012235.2); c.662G>A, p.Arg221Gln (NM_001320044.2); short protein forms R221Q, R476Q.
Identifiers: ClinVar variation 2653764 (VCV002653764.25), dbSNP rs202080098, ClinGen allele CA2367518.

ClinVar aggregate classification (germline): Conflicting classifications of pathogenicity. Review status: criteria provided, conflicting classifications (1 of 4 stars). 2 submissions from 2 submitters: Uncertain significance (1); Likely benign (1). Last evaluated 2025-06-18.

Allele frequency attached by ClinVar (database versions not stated): gnomAD exomes 0.00006; ESP Exome Variant Server 0.00008; ExAC 0.00011; gnomAD 0.00013; TOPMed 0.00030; 1000 Genomes Project 30x 0.00031; 1000 Genomes Project 0.00040.
gnomAD v4.1: 117 of 1,611,748 alleles (0.0073%); highest among the groups gnomAD compares: Middle Eastern, 0.063%; no homozygotes.

Submissions (2):

Ambry Genetics
Classification: Uncertain significance. Last evaluated: 2025-06-18. Review status: criteria provided, single submitter. Criteria: Ambry Variant Classification Scheme 2023. Collection method: clinical testing. Allele origin: germline.

CeGaT Center for Human Genetics Tuebingen
Classification: Likely benign. Last evaluated: 2023-05-01. Review status: criteria provided, single submitter. Criteria: CeGaT Center For Human Genetics Tuebingen Variant Classification Criteria Version 2. Collection method: clinical testing. Allele origin: germline. Affected: yes. Observed: 1 variant allele.
Comment: SCAP: BP4